The following is an entry in ClinVar:

NM_016955.4(SEPSECS):c.41C>A (p.Ser14Ter)

Gene: SEPSECS (Sep (O-phosphoserine) tRNA:Sec (selenocysteine) tRNA synthase; minus strand). Cytogenetic location: 4p15.2.
Variant type: single nucleotide variant.
Coding change: c.41C>A on transcript NM_016955.4 (MANE Select); coding-DNA position 41, C replaced by A.
Protein change: p.Ser14Ter; replaces serine 14 with a stop codon.
Molecular consequence: nonsense.
Genome position (GRCh38, 1-based): chr4:25,160,329, G>T on the plus strand (C>A on the coding strand, the complement: SEPSECS is on the minus strand). VCF-style: chr4-25160329-G-T. GRCh37 (hg19) VCF-style: chr4-25161951-G-T.
Other names: short protein forms S14*.
Identifiers: ClinVar variation 953846 (VCV000953846.8), dbSNP rs1228958177, ClinGen allele CA356545276.

ClinVar aggregate classification (germline): Pathogenic/Likely pathogenic. Review status: criteria provided, multiple submitters, no conflicts (2 of 4 stars). 2 submissions from 2 submitters: Pathogenic (1); Likely pathogenic (1). Last evaluated 2025-12-16.

Conditions:
Pontocerebellar hypoplasia type 2D (PCH2D). Also called: Progressive cerebello-cerebral atrophy. Identifiers: Orphanet 247198, Orphanet 2524, MedGen C3151140, MONDO:0013438, OMIM 613811.

gnomAD v4.1: 11 of 1,548,662 alleles (0.00071%); highest among the groups gnomAD compares: Non-Finnish European, 0.00096%; no homozygotes.

Submissions (2):

Natera, Inc.
Classification: Likely pathogenic for Pontocerebellar hypoplasia type 2d. Last evaluated: 2025-12-16. Review status: criteria provided, single submitter. Criteria: Natera Variant Classification Schema (03/2026). Collection method: clinical testing. Allele origin: germline.
Comment: The c.41C>A variant in SEPSECS is a nonsense variant predicted to introduce a stop codon at amino acid 14. This variant is expected to result in nonsense mediated decay, truncation, or a dysfunctional protein product. This variant is rare in the general population with a frequency below the threshold expected for the associated phenotype(s). Given the available evidence, this variant is classified as Likely Pathogenic.

Labcorp Genetics (formerly Invitae), Labcorp
Classification: Pathogenic. Last evaluated: 2023-05-02. Review status: criteria provided, single submitter. Criteria: Invitae Variant Classification Sherloc (09022015). Collection method: clinical testing. Allele origin: germline.
Comment: This sequence change creates a premature translational stop signal (p.Ser14*) in the SEPSECS gene. It is expected to result in an absent or disrupted protein product. Loss-of-function variants in SEPSECS are known to be pathogenic (PMID: 25558065, 25590979, 26115735). This variant is not present in population databases (gnomAD no frequency). This variant has not been reported in the literature in individuals affected with SEPSECS-related conditions. For these reasons, this variant has been classified as Pathogenic. ClinVar contains an entry for this variant (Variation ID: 953846).

Literature cited by the submitters: PubMed 25558065 (cited by Labcorp Genetics (formerly Invitae), Labcorp); PubMed 25590979 (cited by Labcorp Genetics (formerly Invitae), Labcorp); PubMed 26115735 (cited by Labcorp Genetics (formerly Invitae), Labcorp).